The following is an entry in ClinVar:

NM_001134363.3(RBM20):c.1504C>G (p.Pro502Ala)

Gene: RBM20 (RNA binding motif protein 20; plus strand). Cytogenetic location: 10q25.2.
Variant type: single nucleotide variant.
Coding change: c.1504C>G on transcript NM_001134363.3 (MANE Select); coding-DNA position 1504, C replaced by G.
Protein change: p.Pro502Ala; replaces proline 502 with alanine.
Molecular consequence: missense variant.
Genome position (GRCh38, 1-based): chr10:110,784,866, C>G. VCF-style: chr10-110784866-C-G. GRCh37 (hg19) VCF-style: chr10-112544624-C-G.
Other names: short protein forms P502A.
Identifiers: ClinVar variation 2696782 (VCV002696782.3), dbSNP rs2493422814, ClinGen allele CA378388513.

ClinVar aggregate classification (germline): Uncertain significance (1 of 4 stars; one submission).

Conditions:
Dilated cardiomyopathy 1DD (CMD1DD). Identifiers: Orphanet 154, MedGen C2750995, MONDO:0013168, OMIM 613172.

Submission:

Labcorp Genetics (formerly Invitae), Labcorp
Classification: Uncertain significance for Dilated cardiomyopathy 1DD. Last evaluated: 2023-11-17. Review status: criteria provided, single submitter. Criteria: Invitae Variant Classification Sherloc (09022015). Collection method: clinical testing. Allele origin: germline.
Comment: This sequence change replaces proline, which is neutral and non-polar, with alanine, which is neutral and non-polar, at codon 502 of the RBM20 protein (p.Pro502Ala). This variant is not present in population databases (gnomAD no frequency). This variant has not been reported in the literature in individuals affected with RBM20-related conditions. Advanced modeling of protein sequence and biophysical properties (such as structural, functional, and spatial information, amino acid conservation, physicochemical variation, residue mobility, and thermodynamic stability) performed at Invitae indicates that this missense variant is not expected to disrupt RBM20 protein function with a negative predictive value of 95%. In summary, the available evidence is currently insufficient to determine the role of this variant in disease. Therefore, it has been classified as a Variant of Uncertain Significance.